The following is an entry in ClinVar:

NM_013275.6(ANKRD11):c.2136delinsAA (p.Phe712fs)

Gene: ANKRD11 (ankyrin repeat domain 11; minus strand). Cytogenetic location: 16q24.3.
Variant type: Indel.
Coding change: c.2136delinsAA on transcript NM_013275.6 (MANE Select); coding-DNA position 2136, T replaced by AA.
Protein change: p.Phe712fs; shifts the reading frame from phenylalanine 712.
Molecular consequence: frameshift variant.
Genome position (GRCh38, 1-based): chr16:89,284,406, A replaced by TT on the plus strand (T replaced by AA on the coding strand, the reverse complement: ANKRD11 is on the minus strand). VCF-style: chr16-89284406-A-TT. GRCh37 (hg19) VCF-style: chr16-89350814-A-TT.
Other names: c.2136delinsAA, p.Phe712fs (NM_001256182.2, NM_001256183.2); short protein forms F712fs.
Identifiers: ClinVar variation 4850060 (VCV004850060.1).
Genomic context (GRCh38, chr16:89,284,406, plus strand): 5'-GAAAGACCTGCTGATGTCTTTGTTTGTGTCTTTGATTCTCTTCAGTGATTTTTCATCTTT[A>TT]AAGAGCCATTCTTTTTCTTCTAATTTCATTTTGCTAAGTTTCTCTTCTTTTTTAAAGTGG-3'

ClinVar aggregate classification (germline): Pathogenic (1 of 4 stars; one submission).

Conditions:
KBG syndrome (KBGS). Also called: ANKRD11-Related KBG Syndrome. Identifiers: Orphanet 2332, MedGen C0220687, MONDO:0007846, OMIM 148050.

Submission:

Variantyx, Inc.
Classification: Pathogenic for KBG syndrome. Last evaluated: 2026-01-11. Review status: criteria provided, single submitter. Criteria: Variantyx Assertion Criteria 2022. Collection method: clinical testing. Allele origin: de novo. Inheritance: Autosomal dominant inheritance. Affected: yes.
Comment: This is a frameshift variant in the ANKRD11 gene (OMIM: 611192). Pathogenic variants in this gene have been associated with autosomal dominant KBG syndrome. The alteration introduces a premature termination codon in exon 9 out of 13 and is expected to result in loss of function, which is a known disease mechanism for ANKRD11 in this disorder (PMID: 25652421, 25413698, 25125236, 21782149) (PVS1). This variant has a 0.0017% maximum allele frequency in non-founder control populations (PM2). Based on the current evidence, this variant is classified as pathogenic for autosomal dominant KBG syndrome.

Literature cited by the submitters: PubMed 25652421; PubMed 25413698; PubMed 25125236; PubMed 21782149.